The following is an entry in ClinVar:

NM_000101.4(CYBA):c.114del (p.Phe38fs)

Gene: CYBA (cytochrome b-245 alpha chain; minus strand). Cytogenetic location: 16q24.2.
Variant type: Deletion.
Coding change: c.114del on transcript NM_000101.4 (MANE Select); coding-DNA position 114, one base deleted (T; older notation c.114delT).
Protein change: p.Phe38fs; shifts the reading frame from phenylalanine 38.
Molecular consequence: frameshift variant.
Genome position (GRCh38, 1-based): chr16:88,648,059, A deleted on the plus strand (T on the coding strand, the reverse complement: CYBA is on the minus strand); the first of 3 consecutive A bases (chr16:88,648,059-88,648,061); deleting any one gives the same sequence. VCF-style (leftmost placement, unchanged base first): chr16-88648058-CA-C. GRCh37 (hg19) VCF-style: chr16-88714466-CA-C.
Other names: short protein forms F38fs.
Identifiers: ClinVar variation 5012792 (VCV005012792.1).

ClinVar aggregate classification (germline): Pathogenic (1 of 4 stars; one submission).

Conditions:
Granulomatous disease, chronic, autosomal recessive, cytochrome b-negative. Also called: CGD DUE TO DEFICIENCY OF THE ALPHA SUBUNIT OF CYTOCHROME b; CGD, AUTOSOMAL RECESSIVE CYTOCHROME b-NEGATIVE; CYBA DEFICIENCY; GRANULOMATOUS DISEASE, CHRONIC, AUTOSOMAL RECESSIVE, 4; Chronic granulomatous disease, autosomal, due to deficiency of CYBA. Identifiers: Orphanet 379, MedGen C1856255, MONDO:0009308, OMIM 233690.

Submission:

Myriad Genetics, Inc.
Classification: Pathogenic for Granulomatous disease, chronic, autosomal recessive, cytochrome b-negative. Last evaluated: 2024-05-14. Review status: criteria provided, single submitter. Criteria: Myriad Autosomal Dominant, Autosomal Recessive and X-Linked Classification Criteria (2023). Collection method: clinical testing. Allele origin: unknown.
Comment: NM_000101.3(CYBA):c.114delT(F38Lfs*36) is expected to be pathogenic in the context of chronic granulomatous disease, CYBA-related. This variant is predicted to lead to an abnormal or absent protein product due to the creation of a premature termination codon in CYBA, a gene where loss-of-function variants are known to be pathogenic. Please note: this variant was assessed in the context of healthy population screening.